The following is an entry in ClinVar:

NM_001039591.3(USP9X):c.1660C>G (p.Arg554Gly)

Gene: USP9X (ubiquitin specific peptidase 9 X-linked; plus strand). Cytogenetic location: Xp11.4.
Variant type: single nucleotide variant.
Coding change: c.1660C>G on transcript NM_001039591.3 (MANE Select); coding-DNA position 1660, C replaced by G.
Protein change: p.Arg554Gly; replaces arginine 554 with glycine.
Molecular consequence: missense variant.
Genome position (GRCh38, 1-based): chrX:41,150,954, C>G. VCF-style: chrX-41150954-C-G. GRCh37 (hg19) VCF-style: chrX-41010207-C-G.
Other names: c.1660C>G, p.Arg554Gly (NM_001039590.3); short protein forms R554G.
Identifiers: ClinVar variation 1191014 (VCV001191014.8), dbSNP rs1476156536, ClinGen allele CA412774204.

ClinVar aggregate classification (germline): Uncertain significance. Review status: criteria provided, multiple submitters, no conflicts (2 of 4 stars). 3 submissions from 3 submitters: Uncertain significance (3). Last evaluated 2022-08-07.

Conditions:
Inborn genetic diseases. Identifiers: MedGen C0950123, MeSH D030342.

Allele frequency attached by ClinVar (database versions not stated): gnomAD 0.00001; TOPMed 0.00002.
gnomAD v4.1: 11 of 1,204,950 alleles (0.00091%); highest among the groups gnomAD compares: Non-Finnish European, 0.0012%; no homozygotes.

Submissions (3):

Labcorp Genetics (formerly Invitae), Labcorp
Classification: Uncertain significance. Last evaluated: 2022-08-07. Review status: criteria provided, single submitter. Criteria: Invitae Variant Classification Sherloc (09022015). Collection method: clinical testing. Allele origin: germline.
Comment: This sequence change replaces arginine, which is basic and polar, with glycine, which is neutral and non-polar, at codon 554 of the USP9X protein (p.Arg554Gly). The frequency data for this variant in the population databases is considered unreliable, as metrics indicate poor data quality at this position in the gnomAD database. This variant has not been reported in the literature in individuals affected with USP9X-related conditions. ClinVar contains an entry for this variant (Variation ID: 1191014). Algorithms developed to predict the effect of missense changes on protein structure and function are either unavailable or do not agree on the potential impact of this missense change (SIFT: "Deleterious"; PolyPhen-2: "Benign"; Align-GVGD: "Class C0"). In summary, the available evidence is currently insufficient to determine the role of this variant in disease. Therefore, it has been classified as a Variant of Uncertain Significance.

Ambry Genetics
Classification: Uncertain significance for Inborn genetic diseases. Last evaluated: 2021-03-29. Review status: criteria provided, single submitter. Criteria: Ambry Variant Classification Scheme 2023. Collection method: clinical testing. Allele origin: germline.
Comment: The c.1660C>G (p.R554G) alteration is located in exon 13 (coding exon 12) of the USP9X gene. This alteration results from a C to G substitution at nucleotide position 1660, causing the arginine (R) at amino acid position 554 to be replaced by a glycine (G). The in silico prediction for the p.R554G alteration is inconclusive. Based on insufficient or conflicting evidence, the clinical significance of this alteration remains unclear.

GeneDx
Classification: Uncertain significance. Last evaluated: 2020-01-13. Review status: criteria provided, single submitter. Criteria: GeneDx Variant Classification Process June 2021. Collection method: clinical testing. Allele origin: germline. Affected: yes.
Comment: In silico analysis, which includes protein predictors and evolutionary conservation, supports a deleterious effect; Has not been previously published as pathogenic or benign to our knowledge